The following is an entry in ClinVar:

ClinVar aggregate classification (germline): Benign (1 of 4 stars; one submission).

Allele frequency attached by ClinVar (database versions not stated): 1000 Genomes Project 30x 0.00297; 1000 Genomes Project 0.00300; gnomAD 0.00608; TOPMed 0.00625; ESP Exome Variant Server 0.00723; ExAC 0.00745; gnomAD exomes 0.00829.
gnomAD v4.1: 12,957 of 1,613,890 alleles (0.8%); highest among the groups gnomAD compares: Non-Finnish European, 0.96%; 74 homozygotes.

Submission:

CeGaT Center for Human Genetics Tuebingen
Classification: Benign. Last evaluated: 2022-11-01. Review status: criteria provided, single submitter. Criteria: CeGaT Center For Human Genetics Tuebingen Variant Classification Criteria Version 2. Collection method: clinical testing. Allele origin: germline. Affected: yes. Observed: 1 variant allele.
Comment: MAGI1: BP4, BP7, BS1, BS2

NM_001033057.2(MAGI1):c.2109G>A (p.Val703=)

Gene: MAGI1 (membrane associated guanylate kinase, WW and PDZ domain containing 1; minus strand). Cytogenetic location: 3p14.1.
Variant type: single nucleotide variant.
Coding change: c.2109G>A on transcript NM_001033057.2 (MANE Select); coding-DNA position 2109, G replaced by A.
Protein change: p.Val703=; no amino-acid change (valine 703 retained).
Molecular consequence: synonymous variant.
Genome position (GRCh38, 1-based): chr3:65,429,578, C>T on the plus strand (G>A on the coding strand, the complement: MAGI1 is on the minus strand). VCF-style: chr3-65429578-C-T. GRCh37 (hg19) VCF-style: chr3-65415253-C-T.
Other names: c.2112G>A, p.Val704= (NM_001365903.2, NM_001365904.2, NM_001365905.1); c.2109G>A, p.Val703= (NM_004742.3, NM_015520.2).
Identifiers: ClinVar variation 2653949 (VCV002653949.24), dbSNP rs61754217, ClinGen allele CA2482769.